The following is an entry in ClinVar:

ClinVar aggregate classification (germline): Uncertain significance (1 of 4 stars; one submission).

Submission:

Labcorp Genetics (formerly Invitae), Labcorp
Classification: Uncertain significance. Last evaluated: 2025-10-15. Review status: criteria provided, single submitter. Criteria: Invitae Variant Classification Sherloc (09022015). Collection method: clinical testing. Allele origin: germline.
Comment: This sequence change replaces phenylalanine, which is neutral and non-polar, with serine, which is neutral and polar, at codon 2004 of the KMT2A protein (p.Phe2004Ser). This variant is not present in population databases (gnomAD no frequency). This variant has not been reported in the literature in individuals affected with KMT2A-related conditions. Invitae Evidence Modeling of protein sequence and biophysical properties (such as structural, functional, and spatial information, amino acid conservation, physicochemical variation, residue mobility, and thermodynamic stability) has been performed for this missense variant. However, the output from this modeling did not meet the statistical confidence thresholds required to predict the impact of this variant on KMT2A protein function. In summary, the available evidence is currently insufficient to determine the role of this variant in disease. Therefore, it has been classified as a Variant of Uncertain Significance.

NM_001197104.2(KMT2A):c.6011T>C (p.Phe2004Ser)

Gene: KMT2A (lysine methyltransferase 2A; plus strand). Cytogenetic location: 11q23.3.
Variant type: single nucleotide variant.
Coding change: c.6011T>C on transcript NM_001197104.2 (MANE Select); coding-DNA position 6011, T replaced by C.
Protein change: p.Phe2004Ser; replaces phenylalanine 2004 with serine.
Molecular consequence: missense variant.
Genome position (GRCh38, 1-based): chr11:118,499,352, T>C. VCF-style: chr11-118499352-T-C. GRCh37 (hg19) VCF-style: chr11-118370067-T-C.
Other names: c.6101T>C, p.Phe2034Ser (NM_001412597.1); c.6002T>C, p.Phe2001Ser (NM_005933.4); short protein forms F2001S, F2004S, F2034S.
Identifiers: ClinVar variation 4800547 (VCV004800547.1).